The following is an entry in ClinVar:

NM_001283009.2(RTEL1):c.3325G>A (p.Asp1109Asn)

Genes: RTEL1-TNFRSF6B (RTEL1-TNFRSF6B readthrough (NMD candidate); plus strand), RTEL1 (regulator of telomere elongation helicase 1; plus strand). Cytogenetic location: 20q13.33.
Variant type: single nucleotide variant.
Coding change: c.3325G>A on transcript NM_001283009.2 (MANE Select); coding-DNA position 3325, G replaced by A.
Protein change: p.Asp1109Asn; replaces aspartic acid 1109 with asparagine.
Molecular consequence: missense variant. On other transcripts: non-coding transcript variant (1).
Genome position (GRCh38, 1-based): chr20:63,694,956, G>A. VCF-style: chr20-63694956-G-A. GRCh37 (hg19) VCF-style: chr20-62326309-G-A.
Other names: c.2656G>A, p.Asp886Asn (NM_001283010.1); c.3325G>A, p.Asp1109Asn (NM_016434.4); c.3397G>A, p.Asp1133Asn (NM_032957.5); short protein forms D1109N, D1133N, D886N.
Identifiers: ClinVar variation 1692631 (VCV001692631.5), dbSNP rs764303844, ClinGen allele CA9965953.

ClinVar aggregate classification (germline): Uncertain significance. Review status: criteria provided, multiple submitters, no conflicts (2 of 4 stars). 4 submissions from 4 submitters: Uncertain significance (4). Last evaluated 2025-12-29.

Conditions:
Inborn genetic diseases. Identifiers: MedGen C0950123, MeSH D030342.
Pulmonary fibrosis and/or bone marrow failure, Telomere-related, 3. Also called: PULMONARY FIBROSIS AND/OR BONE MARROW FAILURE SYNDROME, TELOMERE-RELATED, 3. Identifiers: Orphanet 2032, MedGen C4225346, MONDO:0014613, OMIM 616373.
Dyskeratosis congenita, autosomal recessive 5 (DKCB5). Identifiers: MedGen C3554656, MONDO:0014076, OMIM 615190.
Dyskeratosis congenita. Identifiers: Orphanet 1775, MedGen C0265965, MONDO:0015780.

Allele frequency attached by ClinVar (database versions not stated): TOPMed below 0.00001; gnomAD 0.00001; gnomAD exomes 0.00001 and 0.00002; ExAC 0.00002.
gnomAD v4.1: 14 of 1,612,414 alleles (0.00087%); highest among the groups gnomAD compares: East Asian, 0.0067%; no homozygotes.

Submissions (4):

Labcorp Genetics (formerly Invitae), Labcorp
Classification: Uncertain significance for Dyskeratosis congenita, autosomal recessive 5; Pulmonary fibrosis and/or bone marrow failure, Telomere-related, 3. Last evaluated: 2025-12-29. Review status: criteria provided, single submitter. Criteria: Invitae Variant Classification Sherloc (09022015). Collection method: clinical testing. Allele origin: germline.
Comment: This sequence change replaces aspartic acid, which is acidic and polar, with asparagine, which is neutral and polar, at codon 1109 of the RTEL1 protein (p.Asp1109Asn). This variant is present in population databases (rs764303844, gnomAD 0.02%). This variant has not been reported in the literature in individuals affected with RTEL1-related conditions. ClinVar contains an entry for this variant (Variation ID: 1692631). An algorithm developed to predict the effect of missense changes on protein structure and function (PolyPhen-2) suggests that this variant is likely to be tolerated. In summary, the available evidence is currently insufficient to determine the role of this variant in disease. Therefore, it has been classified as a Variant of Uncertain Significance.

Ambry Genetics
Classification: Uncertain significance for Inborn genetic diseases. Last evaluated: 2024-12-20. Review status: criteria provided, single submitter. Criteria: Ambry Variant Classification Scheme 2023. Collection method: clinical testing. Allele origin: germline.
Comment: The p.D1109N variant (also known as c.3325G>A), located in coding exon 31 of the RTEL1 gene, results from a G to A substitution at nucleotide position 3325. The aspartic acid at codon 1109 is replaced by asparagine, an amino acid with highly similar properties. This amino acid position is conserved. In addition, this alteration is predicted to be tolerated by in silico analysis. Based on the available evidence, the clinical significance of this variant remains unclear.

GeneDx
Classification: Uncertain significance. Last evaluated: 2024-01-03. Review status: criteria provided, single submitter. Criteria: GeneDx Variant Classification Process June 2021. Collection method: clinical testing. Allele origin: germline. Affected: yes.
Comment: Has not been previously published as pathogenic or benign to our knowledge; In silico analysis supports that this missense variant does not alter protein structure/function

Sema4
Classification: Uncertain significance for Dyskeratosis congenita. Last evaluated: 2021-09-14. Review status: criteria provided, single submitter. Criteria: Sema4 Curation Guidelines. Collection method: curation. Allele origin: germline.
Comment: The RTEL1 c.3325G>A (p.D1109N) variant has not been reported in the literature to our knowledge. It was observed in 3/18310 chromosomes of the East Asian subpopulation in the large and broad cohorts of the Genome Aggregation Database (PMID: 32461654). The variant has not been reported in ClinVar. Functional studies have not been performed, and in silico predictions of the variant's effect on protein function are inconclusive. The evidence is insufficient to meet ACMG/AMP criteria for classifying the variant as benign or pathogenic. Thus, the clinical significance of this variant is currently uncertain. Please note that this variant is annotated as c.3397G>A (p.D1133N) using transcript NM_032957.4. The interpretation is not changed.